The following is an entry in ClinVar:

NM_006767.4(LZTR1):c.1770G>C (p.Gln590His)

Gene: LZTR1 (leucine zipper like post translational regulator 1; plus strand). Cytogenetic location: 22q11.21.
Variant type: single nucleotide variant.
Coding change: c.1770G>C on transcript NM_006767.4 (MANE Select); coding-DNA position 1770, G replaced by C.
Protein change: p.Gln590His; replaces glutamine 590 with histidine.
Molecular consequence: missense variant.
Genome position (GRCh38, 1-based): chr22:20,994,712, G>C. VCF-style: chr22-20994712-G-C. GRCh37 (hg19) VCF-style: chr22-21349001-G-C.
Other names: short protein forms Q590H.
Identifiers: ClinVar variation 1779793 (VCV001779793.2), dbSNP rs1248020734, ClinGen allele CA410778298.

ClinVar aggregate classification (germline): Uncertain significance (1 of 4 stars; one submission).

Conditions:
Cardiovascular phenotype. Identifiers: MedGen CN230736.
Hereditary cancer-predisposing syndrome. Also called: Neoplastic Syndromes, Hereditary; Tumor predisposition; Hereditary Cancer Syndrome; Hereditary neoplastic syndrome. Identifiers: Orphanet 140162, MedGen C0027672, MeSH D009386, MONDO:0015356.

Submission:

Ambry Genetics
Classification: Uncertain significance for Cardiovascular phenotype; Hereditary cancer-predisposing syndrome. Last evaluated: 2022-01-30. Review status: criteria provided, single submitter. Criteria: Ambry Variant Classification Scheme 2023. Collection method: clinical testing. Allele origin: germline.
Comment: The p.Q590H variant (also known as c.1770G>C), located in coding exon 15 of the LZTR1 gene, results from a G to C substitution at nucleotide position 1770. The glutamine at codon 590 is replaced by histidine, an amino acid with highly similar properties. This amino acid position is conserved. In addition, the in silico prediction for this alteration is inconclusive. Since supporting evidence is limited at this time, the clinical significance of this alteration remains unclear.